The following is an entry in ClinVar:

NM_003482.4(KMT2D):c.3453C>A (p.Ser1151=)

Genes: KMT2D (lysine methyltransferase 2D; minus strand), LOC126861520 (CDK7 strongly-dependent group 2 enhancer GRCh37_chr12:49442744-49443943; plus strand). Cytogenetic location: 12q13.12.
Variant type: single nucleotide variant.
Coding change: c.3453C>A on transcript NM_003482.4 (MANE Select); coding-DNA position 3453, C replaced by A.
Protein change: p.Ser1151=; no amino-acid change (serine 1151 retained).
Molecular consequence: synonymous variant.
Genome position (GRCh38, 1-based): chr12:49,050,135, G>T on the plus strand (C>A on the coding strand, the complement: KMT2D is on the minus strand). VCF-style: chr12-49050135-G-T. GRCh37 (hg19) VCF-style: chr12-49443918-G-T.
Identifiers: ClinVar variation 2970480 (VCV002970480.4), dbSNP rs1381571825, ClinGen allele CA479713254.

ClinVar aggregate classification (germline): Benign/Likely benign. Review status: criteria provided, multiple submitters, no conflicts (2 of 4 stars). 2 submissions from 2 submitters: Benign (1); Likely benign (1). Last evaluated 2025-09-30.

Conditions:
Kabuki syndrome. Also called: Kabuki make-up syndrome; NIIKAWA-KUROKI SYNDROME. Identifiers: Orphanet 2322, MedGen C0796004, MONDO:0016512.
KMT2D-related disorder. Also called: KMT2D-Related Disorders.

Allele frequency attached by ClinVar (database versions not stated): gnomAD exomes below 0.00001; gnomAD 0.00001; TOPMed 0.00002.

Submissions (2):

PreventionGenetics, part of Exact Sciences
Classification: Likely benign for KMT2D-related condition. Last evaluated: 2025-09-30. Review status: criteria provided, single submitter. Criteria: ACMG Guidelines, 2015. Collection method: clinical testing. Allele origin: germline.
Comment: This variant is classified as likely benign based on ACMG/AMP sequence variant interpretation guidelines (Richards et al. 2015 PMID: 25741868, with internal and published modifications).

Labcorp Genetics (formerly Invitae), Labcorp
Classification: Benign for Kabuki syndrome. Last evaluated: 2024-05-20. Review status: criteria provided, single submitter. Criteria: Invitae Variant Classification Sherloc (09022015). Collection method: clinical testing. Allele origin: germline.